The following is an entry in ClinVar:

NM_022124.6(CDH23):c.6393del (p.Ile2132fs)

Gene: CDH23 (cadherin related 23; plus strand). Cytogenetic location: 10q22.1.
Variant type: Deletion.
Coding change: c.6393del on transcript NM_022124.6 (MANE Select); coding-DNA position 6393, one base deleted (C; older notation c.6393delC).
Protein change: p.Ile2132fs; shifts the reading frame from isoleucine 2132.
Molecular consequence: frameshift variant.
Genome position (GRCh38, 1-based): chr10:71,793,321, C deleted; the last of 2 consecutive C bases (chr10:71,793,320-71,793,321); deleting either gives the same sequence. VCF-style (leftmost placement, unchanged base first): chr10-71793319-AC-A. GRCh37 (hg19) VCF-style: chr10-73553076-AC-A.
Other names: c.6393delC (NM_022124.5); short protein forms I2132fs.
Identifiers: ClinVar variation 866405 (VCV000866405.16), dbSNP rs754876029, ClinGen allele CA5546068.

ClinVar aggregate classification (germline): Pathogenic. Review status: criteria provided, multiple submitters, no conflicts (2 of 4 stars). 7 submissions from 7 submitters: Pathogenic (7). Last evaluated 2025-11-24.

Conditions:
CDH23-related disorder. Also called: CDH23-related disorders; CDH23-related condition.
Pituitary adenoma 5, multiple types. Identifiers: MedGen C4539685, MONDO:0054601, OMIM 617540.
Usher syndrome type 1 (USH1). Also called: RETINITIS PIGMENTOSA AND CONGENITAL DEAFNESS. Identifiers: Orphanet 231169, Orphanet 886, MedGen C1568247, MONDO:0010168, OMIM 276900.
Autosomal recessive nonsyndromic hearing loss 12. Also called: DEAFNESS, AUTOSOMAL RECESSIVE 12. Identifiers: Orphanet 90636, MedGen C1832394, MONDO:0011067, OMIM 601386.
Usher syndrome type 1D (USH1D). Also called: USHER SYNDROME, TYPE ID. Identifiers: Orphanet 231169, Orphanet 886, MedGen C1832845, MONDO:0010984, OMIM 601067.

Submissions (7):

Dasa
Classification: Pathogenic. Last evaluated: 2025-11-24. Review status: criteria provided, single submitter. Criteria: DASA Assertion Criteria. Collection method: clinical testing. Allele origin: germline.
Comment: NM_022124.6(CDH23):c.6393del (p.Ile2132Serfs*11) introduces a premature termination codon predicted to result in loss of normal protein function. Loss-of-function is an established mechanism of disease for this gene. This variant has been recurrently observed in individuals with related phenotype (PMID: 32141364; PMID: 18429043). The variant is present at low frequency in population datasets. Based on the available data, this variant is classified as pathogenic.

Labcorp Genetics (formerly Invitae), Labcorp
Classification: Pathogenic. Last evaluated: 2024-06-07. Review status: criteria provided, single submitter. Criteria: Invitae Variant Classification Sherloc (09022015). Collection method: clinical testing. Allele origin: germline.
Comment: This sequence change creates a premature translational stop signal (p.Ile2132Serfs*11) in the CDH23 gene. It is expected to result in an absent or disrupted protein product. Loss-of-function variants in CDH23 are known to be pathogenic (PMID: 11138009, 21940737). This variant is present in population databases (rs754876029, gnomAD 0.003%). This premature translational stop signal has been observed in individuals with clinical features of Usher syndrome (PMID: 18429043, 32141364; Invitae). This variant is also known as c.6392delC. ClinVar contains an entry for this variant (Variation ID: 866405). For these reasons, this variant has been classified as Pathogenic.

Fulgent Genetics
Classification: Pathogenic for Usher syndrome type 1D; Autosomal recessive nonsyndromic hearing loss 12; Pituitary adenoma 5, multiple types. Last evaluated: 2024-04-30. Review status: criteria provided, single submitter. Criteria: ACMG Guidelines, 2015. Collection method: clinical testing. Allele origin: germline.

Natera, Inc.
Classification: Pathogenic for Usher syndrome type 1. Last evaluated: 2024-04-19. Review status: criteria provided, single submitter. Criteria: Natera Variant Classification Schema (03/2026). Collection method: clinical testing. Allele origin: germline.
Comment: The c.6393delC variant in CDH23 is a frameshift variant predicted to shift the reading frame beginning at codon 2132 and leads to a stop codon 11 codons downstream. This variant is expected to result in nonsense mediated decay, truncation, or a dysfunctional protein product. This variant is rare in the general population with a frequency below the threshold expected for the associated phenotype(s). This variant has been observed in one or more individuals affected with the associated recessive disease, as either homozygous or compound heterozygous with a second variant (PMID: 18429043, 19683999). Given the available evidence, this variant is classified as Pathogenic.

Baylor Genetics
Classification: Pathogenic for Pituitary adenoma 5, multiple types. Last evaluated: 2023-12-06. Review status: criteria provided, single submitter. Criteria: ACMG Guidelines, 2015. Collection method: clinical testing. Allele origin: unknown.

Blueprint Genetics
Classification: Pathogenic for CDH23-related disorders. Last evaluated: 2019-07-23. Review status: criteria provided, single submitter. Criteria: ACMG Guidelines, 2015. Collection method: clinical testing. Allele origin: germline. Affected: yes. Observed: 2 variant alleles.

Clinical Genetics Service, Universitary Hospital 12 de Octubre
Classification: Pathogenic for Autosomal recessive nonsyndromic hearing loss 12. Review status: criteria provided, single submitter. Criteria: ACMG Guidelines, 2015. Collection method: clinical testing. Allele origin: maternal. Affected: yes.

Literature cited by the submitters: PubMed 32141364 (cited by Dasa and Labcorp Genetics (formerly Invitae), Labcorp); PubMed 18429043 (cited by 3 submitters); PubMed 11138009 (cited by Labcorp Genetics (formerly Invitae), Labcorp); PubMed 21940737 (cited by Labcorp Genetics (formerly Invitae), Labcorp); PubMed 19683999 (cited by Natera, Inc.).